The following is an entry in ClinVar:

ClinVar aggregate classification (germline): Uncertain significance (1 of 4 stars; one submission).

gnomAD v4.1: 14 of 1,612,112 alleles (0.00087%); highest among the groups gnomAD compares: East Asian, 0.027%; no homozygotes.

Submission:

Labcorp Genetics (formerly Invitae), Labcorp
Classification: Uncertain significance. Last evaluated: 2024-05-05. Review status: criteria provided, single submitter. Criteria: Invitae Variant Classification Sherloc (09022015). Collection method: clinical testing. Allele origin: germline.
Comment: This sequence change falls in intron 17 of the DDX58 gene. It does not directly change the encoded amino acid sequence of the DDX58 protein. It affects a nucleotide within the consensus splice site. This variant is present in population databases (rs753992096, gnomAD 0.04%). This variant has not been reported in the literature in individuals affected with DDX58-related conditions. Variants that disrupt the consensus splice site are a relatively common cause of aberrant splicing (PMID: 17576681, 9536098). Algorithms developed to predict the effect of sequence changes on RNA splicing suggest that this variant is not likely to affect RNA splicing. In summary, the available evidence is currently insufficient to determine the role of this variant in disease. Therefore, it has been classified as a Variant of Uncertain Significance.

Literature cited by the submitters: PubMed 17576681; PubMed 9536098.

NM_014314.4(RIGI):c.2481+6C>T

Genes: RIGI (RNA sensor RIG-I; minus strand), LOC101060445 (uncharacterized LOC101060445; plus strand). Cytogenetic location: 9p21.1.
Variant type: single nucleotide variant.
Coding change: c.2481+6C>T on transcript NM_014314.4 (MANE Select); 6 bases into the intron after coding-DNA position 2481, C replaced by T.
Molecular consequence: intron variant.
Genome position (GRCh38, 1-based): chr9:32,459,365, G>A on the plus strand (C>T on the coding strand, the complement: RIGI is on the minus strand). VCF-style: chr9-32459365-G-A. GRCh37 (hg19) VCF-style: chr9-32459363-G-A.
Other names: c.1872+6C>T (NM_001385912.1); c.2466+6C>T (NM_001385913.1); c.2475+6C>T (NM_001385907.1); c.2310+6C>T (NM_001385909.1); c.2037+6C>T (NM_001385914.1); c.2040+6C>T (NM_001385910.1).
Identifiers: ClinVar variation 3604602 (VCV003604602.2).